The following is an entry in ClinVar:

NM_001009944.3(PKD1):c.7951del (p.Val2651fs)

Gene: PKD1 (polycystin 1, transient receptor potential channel interacting; minus strand). Cytogenetic location: 16p13.3.
Variant type: Deletion.
Coding change: c.7951del on transcript NM_001009944.3 (MANE Select); coding-DNA position 7951, one base deleted (G; older notation c.7951delG).
Protein change: p.Val2651fs; shifts the reading frame from valine 2651.
Molecular consequence: frameshift variant.
Genome position (GRCh38, 1-based): chr16:2,105,387, C deleted on the plus strand (G on the coding strand, the reverse complement: PKD1 is on the minus strand); the first of 2 consecutive C bases (chr16:2,105,387-2,105,388); deleting either gives the same sequence. VCF-style (leftmost placement, unchanged base first): chr16-2105386-AC-A. GRCh37 (hg19) VCF-style: chr16-2155387-AC-A.
Other names: c.7951del, p.Val2651fs (NM_000296.4); short protein forms V2651fs.
Identifiers: ClinVar variation 1179178 (VCV001179178.2), dbSNP rs2151766847, ClinGen allele CA2499223378.

ClinVar aggregate classification (germline): Pathogenic (1 of 4 stars; one submission).

Conditions:
Polycystic kidney disease, adult type (PKD1). Also called: POLYCYSTIC KIDNEY DISEASE 1 WITH OR WITHOUT POLYCYSTIC LIVER DISEASE; POLYCYSTIC KIDNEY DISEASE, ADULT, TYPE I; Polycystic Kidney Disease 1, Autosomal Dominant; Polycystic kidney disease 1; Polycystic kidney disease 1, severe; Polycystic Kidney, Autosomal Dominant. Identifiers: MedGen C3149841, MONDO:0008263, OMIM 173900.

Submission:

Fulgent Genetics
Classification: Pathogenic for Polycystic kidney disease, adult type. Last evaluated: 2021-06-30. Review status: criteria provided, single submitter. Criteria: ACMG Guidelines, 2015. Collection method: clinical testing. Allele origin: unknown.
Comment: This variant has been detected in individual(s) who were sent for testing of Renasight - kidney gene panel.